The following is an entry in ClinVar:

ClinVar aggregate classification (germline): Uncertain significance (1 of 4 stars; one submission).

Conditions:
Chuvash polycythemia. Also called: POLYCYTHEMIA, VHL-DEPENDENT. Identifiers: Orphanet 238557, MedGen C1837915, MONDO:0009892, OMIM 263400.
Von Hippel-Lindau syndrome (VHLS). Also called: Von Hippel-Lindau; von Hippel–Lindau syndrome; VHL syndrome. Identifiers: Orphanet 892, MedGen C0019562, MONDO:0008667, OMIM 193300. Disease mechanism: loss of function.

Submission:

Labcorp Genetics (formerly Invitae), Labcorp
Classification: Uncertain significance for Von Hippel-Lindau syndrome; Chuvash polycythemia. Last evaluated: 2024-08-24. Review status: criteria provided, single submitter. Criteria: Invitae Variant Classification Sherloc (09022015). Collection method: clinical testing. Allele origin: germline.
Comment: This sequence change falls in intron 1 of the VHL gene. It is not expected to change the encoded amino acid sequence of the VHL protein. However, this sequence change falls within a cryptic exon in the VHL gene, known as exon E1’, which is naturally expressed at low levels in several human tissues (PMID: 29891534). This variant is not present in population databases (gnomAD no frequency). This variant has not been reported in the literature in individuals affected with VHL-related conditions. Algorithms developed to predict the effect of sequence changes on RNA splicing suggest that this variant is not likely to affect RNA splicing. In summary, the available evidence is currently insufficient to determine the role of this variant in disease. Therefore, it has been classified as a Variant of Uncertain Significance.

Literature cited by the submitters: PubMed 29891534.

NM_000551.4(VHL):c.340+574A>G

Genes: VHL (von Hippel-Lindau tumor suppressor; plus strand), LOC107303340 (3p25 von Hippel-Lindau tumor suppressor, E3 ubiquitin protein ligase Alu-mediated recombination region; plus strand). Cytogenetic location: 3p25.3.
Variant type: single nucleotide variant.
Coding change: c.340+574A>G on transcript NM_000551.4 (MANE Select); 574 bases into the intron after coding-DNA position 340, A replaced by G.
Molecular consequence: intron variant. On other transcripts: splice acceptor variant (1).
Genome position (GRCh38, 1-based): chr3:10,142,761, A>G. VCF-style: chr3-10142761-A-G. GRCh37 (hg19) VCF-style: chr3-10184445-A-G.
Other names: c.340+574A>G (NM_198156.3); c.341-2A>G (NM_001354723.2).
Identifiers: ClinVar variation 3749898 (VCV003749898.2).